The following is an entry in ClinVar:

ClinVar aggregate classification (germline): Benign/Likely benign. Review status: criteria provided, multiple submitters, no conflicts (2 of 4 stars). 3 submissions from 3 submitters: Benign (1); Likely benign (2). Last evaluated 2026-06-12.

Conditions:
Inborn genetic diseases. Identifiers: MedGen C0950123, MeSH D030342.
Tumor predisposition syndrome 2 (TPDS2). Also called: MBD4-ASSOCIATED NEOPLASIA SYNDROME; MBD4-Related Tumor Predisposition Syndrome; MBD4-associated neoplasia syndrome (MANS). Identifiers: Orphanet 661526, MedGen C5774186, MONDO:0859267, OMIM 619975.

Allele frequency attached by ClinVar (database versions not stated): gnomAD 0.00001; gnomAD exomes 0.00001; TOPMed 0.00001.

Submissions (3):

Myriad Genetics, Inc.
Classification: Benign for Tumor predisposition syndrome 2. Last evaluated: 2026-06-12. Review status: criteria provided, single submitter. Criteria: Myriad Autosomal Dominant, Autosomal Recessive and X-Linked Classification Criteria (2023). Collection method: clinical testing. Allele origin: unknown.
Comment: This variant is considered benign. This variant is a silent/synonymous amino acid change and it is not expected to impact splicing.

Labcorp Genetics (formerly Invitae), Labcorp
Classification: Likely benign. Last evaluated: 2026-02-03. Review status: criteria provided, single submitter. Criteria: Invitae Variant Classification Sherloc (09022015). Collection method: clinical testing. Allele origin: germline.

Ambry Genetics
Classification: Likely benign for Inborn genetic diseases. Last evaluated: 2025-01-17. Review status: criteria provided, single submitter. Criteria: Ambry Variant Classification Scheme 2023. Collection method: clinical testing. Allele origin: germline.

NM_001276270.2(MBD4):c.1533C>G (p.Val511=)

Gene: MBD4 (methyl-CpG binding domain 4, DNA glycosylase; minus strand). Cytogenetic location: 3q21.3.
Variant type: single nucleotide variant.
Coding change: c.1533C>G on transcript NM_001276270.2 (MANE Select); coding-DNA position 1533, C replaced by G.
Protein change: p.Val511=; no amino-acid change (valine 511 retained).
Molecular consequence: synonymous variant.
Genome position (GRCh38, 1-based): chr3:129,433,108, G>C on the plus strand (C>G on the coding strand, the complement: MBD4 is on the minus strand). VCF-style: chr3-129433108-G-C. GRCh37 (hg19) VCF-style: chr3-129151951-G-C.
Other names: c.1551C>G, p.Val517= (NM_001276271.2, NM_001276272.2, NM_003925.3); c.597C>G, p.Val199= (NM_001276273.2).
Identifiers: ClinVar variation 2894015 (VCV002894015.5), dbSNP rs1190213005, ClinGen allele CA435615375.
Genomic context (GRCh38, chr3:129,433,108, plus strand): 5'-TAAATAAGCACAATGTATTATGTTTTTCCTTTGGGTGTATAGGAAAATACCTGAGAACTT[G>C]ACAATGGTTTTTGCCCGAAGATCGTAGAGACCAAGAGGTTTAAGAAGTTCTGACACATCT-3'
Protein context (NP_001263199.1, residues 501-521): GLYDLRAKTI[Val511=]KFSDEYLTKQ